The following is an entry in ClinVar:

NM_001267550.2(TTN):c.10743G>A (p.Val3581=)

Gene: TTN (titin; minus strand). Cytogenetic location: 2q31.2.
Variant type: single nucleotide variant.
Coding change: c.10743G>A on transcript NM_001267550.2 (MANE Select); coding-DNA position 10743, G replaced by A.
Protein change: p.Val3581=; no amino-acid change (valine 3581 retained).
Molecular consequence: synonymous variant. On other transcripts: intron variant (5).
Genome position (GRCh38, 1-based): chr2:178,756,733, C>T on the plus strand (G>A on the coding strand, the complement: TTN is on the minus strand). VCF-style: chr2-178756733-C-T. GRCh37 (hg19) VCF-style: chr2-179621460-C-T.
Other names: c.10230G>A, p.Val3410= (NM_133437.4); c.10165+2251G>A (NM_003319.4); c.10540+809G>A (NM_133432.3); c.10303+2251G>A (NM_133378.4, NM_001256850.1, NM_133379.5).
Identifiers: ClinVar variation 2651712 (VCV002651712.28), dbSNP rs747019000, ClinGen allele CA2004044.

ClinVar aggregate classification (germline): Likely benign. Review status: criteria provided, multiple submitters, no conflicts (2 of 4 stars). 4 submissions from 4 submitters: Likely benign (4). Last evaluated 2025-12-14.

Conditions:
Autosomal recessive limb-girdle muscular dystrophy type 2J (LGMDR10). Also called: Limb-girdle muscular dystrophy, type 2J; MUSCULAR DYSTROPHY, LIMB-GIRDLE, AUTOSOMAL RECESSIVE 10. Identifiers: Orphanet 140922, MedGen C1837342, MONDO:0012127, OMIM 608807.
Dilated cardiomyopathy 1G (CMD1G). Identifiers: Orphanet 154, MedGen C1858763, MONDO:0011400, OMIM 604145.

Allele frequency attached by ClinVar (database versions not stated): gnomAD 0.00001; gnomAD exomes 0.00002; TOPMed 0.00002; ExAC 0.00004.
gnomAD v4.1: 26 of 1,613,682 alleles (0.0016%); highest among the groups gnomAD compares: Non-Finnish European, 0.0021%; 1 homozygote.

Submissions (4):

Labcorp Genetics (formerly Invitae), Labcorp
Classification: Likely benign for Dilated cardiomyopathy 1G; Autosomal recessive limb-girdle muscular dystrophy type 2J. Last evaluated: 2025-12-14. Review status: criteria provided, single submitter. Criteria: Invitae Variant Classification Sherloc (09022015). Collection method: clinical testing. Allele origin: germline.

Molecular Diagnostic Laboratory for Inherited Cardiovascular Disease, Montreal Heart Institute
Classification: Likely benign. Last evaluated: 2025-07-24. Review status: criteria provided, single submitter. Criteria: ACMG Guidelines, 2015. Collection method: clinical testing. Allele origin: germline. Affected: no.
Comment: BP7

Blueprint Genetics
Classification: Likely benign. Last evaluated: 2024-11-25. Review status: criteria provided, single submitter. Criteria: ACMG Guidelines, 2015. Collection method: clinical testing. Allele origin: germline.

CeGaT Center for Human Genetics Tuebingen
Classification: Likely benign. Last evaluated: 2022-06-01. Review status: criteria provided, single submitter. Criteria: CeGaT Center For Human Genetics Tuebingen Variant Classification Criteria Version 2. Collection method: clinical testing. Allele origin: germline. Affected: yes. Observed: 1 variant allele.
Comment: TTN: BP4, BP7